The following is an entry in ClinVar:

ClinVar aggregate classification (germline): Conflicting classifications of pathogenicity. Review status: criteria provided, conflicting classifications (1 of 4 stars). 6 submissions from 6 submitters: Uncertain significance (1); Likely benign (4). 1 of the submissions does not count toward it. Last evaluated 2025-09-28.

Conditions:
Hyperuricemia, pulmonary hypertension, renal failure, alkalosis syndrome (HUPRAS). Also called: HYPERURICEMIA, PULMONARY HYPERTENSION, RENAL FAILURE, AND ALKALOSIS SYNDROME; HUPRA SYNDROME. Identifiers: Orphanet 363694, MedGen C3151209, MONDO:0013458, OMIM 613845.

Allele frequency attached by ClinVar (database versions not stated): TOPMed 0.00007; 1000 Genomes Project 0.00020; gnomAD 0.00013; 1000 Genomes Project 30x 0.00016.
gnomAD v4.1: 212 of 1,613,826 alleles (0.013%); highest among the groups gnomAD compares: Middle Eastern, 0.05%; no homozygotes.

Submissions (6):

Labcorp Genetics (formerly Invitae), Labcorp
Classification: Likely benign. Last evaluated: 2025-09-28. Review status: criteria provided, single submitter. Criteria: Invitae Variant Classification Sherloc (09022015). Collection method: clinical testing. Allele origin: germline.

Blueprint Genetics
Classification: Likely benign. Last evaluated: 2024-07-23. Review status: criteria provided, single submitter. Criteria: ACMG Guidelines, 2015. Collection method: clinical testing. Allele origin: germline.

CeGaT Center for Human Genetics Tuebingen
Classification: Likely benign. Last evaluated: 2022-06-01. Review status: criteria provided, single submitter. Criteria: CeGaT Center For Human Genetics Tuebingen Variant Classification Criteria Version 2. Collection method: clinical testing. Allele origin: germline. Affected: yes. Observed: 1 variant allele.
Comment: SARS2: BP4, BP7

GeneDx
Classification: Likely benign. Last evaluated: 2021-01-12. Review status: criteria provided, single submitter. Criteria: GeneDx Variant Classification Process June 2021. Collection method: clinical testing. Allele origin: germline. Affected: yes.

Illumina Laboratory Services, Illumina
Classification: Uncertain significance for Hyperuricemia, pulmonary hypertension, renal failure, alkalosis syndrome. Last evaluated: 2018-01-13. Review status: criteria provided, single submitter. Criteria: ICSL Variant Classification Criteria 13 December 2019. Collection method: clinical testing. Allele origin: germline.

Mayo Clinic Laboratories, Mayo Clinic
Classification: Likely benign. Last evaluated: 2016-02-25. Review status: no assertion criteria provided. Collection method: clinical testing. Allele origin: unknown. Not counted in ClinVar's aggregate classification.

NM_017827.4(SARS2):c.1317C>T (p.Thr439=)

Gene: SARS2 (seryl-tRNA synthetase 2, mitochondrial; minus strand). Cytogenetic location: 19q13.2.
Variant type: single nucleotide variant.
Coding change: c.1317C>T on transcript NM_017827.4 (MANE Select); coding-DNA position 1317, C replaced by T.
Protein change: p.Thr439=; no amino-acid change (threonine 439 retained).
Molecular consequence: synonymous variant.
Genome position (GRCh38, 1-based): chr19:38,916,067, G>A on the plus strand (C>T on the coding strand, the complement: SARS2 is on the minus strand). VCF-style: chr19-38916067-G-A. GRCh37 (hg19) VCF-style: chr19-39406707-G-A.
Other names: c.1323C>T, p.Thr441= (NM_001145901.2).
Identifiers: ClinVar variation 559230 (VCV000559230.44), dbSNP rs556892787, ClinGen allele CA9422781.
Genomic context (GRCh38, chr19:38,916,067, plus strand): 5'-CACGCGGGCAGGAGGCTGTGCGGGCCTCACCGTGTGGGCAAACTGCAGCTCCCCAGCCTC[G>A]GTCTGGAACATGATGTGGAGGCGGCGGCTCTGGAAGTCTGTGCAGTTGGAAGCACTGGTG-3'
Protein context (NP_060297.1, residues 429-449): QSRRLHIMFQ[Thr439=]EAGELQFAHT